The following is an entry in ClinVar:

ClinVar aggregate classification (germline): Uncertain significance (1 of 4 stars; one submission).

Submission:

Labcorp Genetics (formerly Invitae), Labcorp
Classification: Uncertain significance. Last evaluated: 2024-06-23. Review status: criteria provided, single submitter. Criteria: Invitae Variant Classification Sherloc (09022015). Collection method: clinical testing. Allele origin: germline.
Comment: This sequence change replaces arginine, which is basic and polar, with glycine, which is neutral and non-polar, at codon 53 of the WNK4 protein (p.Arg53Gly). This variant is not present in population databases (gnomAD no frequency). This variant has not been reported in the literature in individuals affected with WNK4-related conditions. Advanced modeling of protein sequence and biophysical properties (such as structural, functional, and spatial information, amino acid conservation, physicochemical variation, residue mobility, and thermodynamic stability) performed at Invitae indicates that this missense variant is not expected to disrupt WNK4 protein function with a negative predictive value of 95%. In summary, the available evidence is currently insufficient to determine the role of this variant in disease. Therefore, it has been classified as a Variant of Uncertain Significance.

NM_032387.5(WNK4):c.157C>G (p.Arg53Gly)

Gene: WNK4 (WNK lysine deficient protein kinase 4; plus strand). Cytogenetic location: 17q21.2.
Variant type: single nucleotide variant.
Coding change: c.157C>G on transcript NM_032387.5 (MANE Select); coding-DNA position 157, C replaced by G.
Protein change: p.Arg53Gly; replaces arginine 53 with glycine.
Molecular consequence: missense variant. On other transcripts: 5 prime UTR variant (1).
Genome position (GRCh38, 1-based): chr17:42,780,855, C>G. VCF-style: chr17-42780855-C-G. GRCh37 (hg19) VCF-style: chr17-40932873-C-G.
Other names: c.-763C>G (NM_001321299.2); short protein forms R53G.
Identifiers: ClinVar variation 3680555 (VCV003680555.2).